The following is an entry in ClinVar:

NM_001127644.2(GABRA1):c.1258G>T (p.Asp420Tyr)

Gene: GABRA1 (gamma-aminobutyric acid type A receptor subunit alpha1; plus strand). Cytogenetic location: 5q34.
Variant type: single nucleotide variant.
Coding change: c.1258G>T on transcript NM_001127644.2 (MANE Select); coding-DNA position 1258, G replaced by T.
Protein change: p.Asp420Tyr; replaces aspartic acid 420 with tyrosine.
Molecular consequence: missense variant.
Genome position (GRCh38, 1-based): chr5:161,897,309, G>T. VCF-style: chr5-161897309-G-T. GRCh37 (hg19) VCF-style: chr5-161324315-G-T.
Other names: c.1258G>T, p.Asp420Tyr (NM_000806.5, NM_001127643.2, NM_001127645.2 and 1 more transcripts); short protein forms D420Y.
Identifiers: ClinVar variation 4686154 (VCV004686154.2).

ClinVar aggregate classification (germline): Uncertain significance. Review status: criteria provided, multiple submitters, no conflicts (2 of 4 stars). 2 submissions from 2 submitters: Uncertain significance (2). Last evaluated 2025-07-14.

Conditions:
Epilepsy, idiopathic generalized, susceptibility to, 13. Also called: EPILEPSY, JUVENILE MYOCLONIC, SUSCEPTIBILITY TO, 5. Identifiers: Orphanet 307, Orphanet 64280, MedGen C4013473, MONDO:0012627, OMIM 611136.
Idiopathic generalized epilepsy. Also called: EIG; Generalised epilepsy. Identifiers: MedGen C0270850, MONDO:0005579, OMIM 600669.
Epilepsy, childhood absence 4 (ECA4). Also called: EPILEPSY, CHILDHOOD ABSENCE, SUSCEPTIBILITY TO, 4. Identifiers: Orphanet 307, MedGen C1970160.

gnomAD v4.1: 1 of 1,614,068 alleles (0.000062%); highest among the groups gnomAD compares: South Asian, 0.0011%; no homozygotes.

Submissions (2):

GeneDx
Classification: Uncertain significance. Last evaluated: 2025-07-14. Review status: criteria provided, single submitter. Criteria: GeneDx Variant Classification Process June 2021. Collection method: clinical testing. Allele origin: germline. Affected: yes.
Comment: Not observed at significant frequency in large population cohorts (gnomAD); In silico analysis supports that this missense variant has a deleterious effect on protein structure/function; Has not been previously published as pathogenic or benign to our knowledge

Labcorp Genetics (formerly Invitae), Labcorp
Classification: Uncertain significance for Epilepsy, childhood absence 4; Epilepsy, idiopathic generalized, susceptibility to, 13; Idiopathic generalized epilepsy. Last evaluated: 2025-03-28. Review status: criteria provided, single submitter. Criteria: Invitae Variant Classification Sherloc (09022015). Collection method: clinical testing. Allele origin: germline.
Comment: This sequence change replaces aspartic acid, which is acidic and polar, with tyrosine, which is neutral and polar, at codon 420 of the GABRA1 protein (p.Asp420Tyr). This variant is not present in population databases (gnomAD no frequency). This variant has not been reported in the literature in individuals affected with GABRA1-related conditions. Invitae Evidence Modeling of protein sequence and biophysical properties (such as structural, functional, and spatial information, amino acid conservation, physicochemical variation, residue mobility, and thermodynamic stability) indicates that this missense variant is expected to disrupt GABRA1 protein function with a positive predictive value of 95%. In summary, the available evidence is currently insufficient to determine the role of this variant in disease. Therefore, it has been classified as a Variant of Uncertain Significance.